The following is an entry in ClinVar:

ClinVar aggregate classification (germline): Benign/Likely benign. Review status: criteria provided, multiple submitters, no conflicts (2 of 4 stars). 4 submissions from 4 submitters: Benign (1); Likely benign (3). Last evaluated 2026-06-01.

Submissions (4):

CeGaT Center for Human Genetics Tuebingen
Classification: Likely benign. Last evaluated: 2026-06-01. Review status: criteria provided, single submitter. Criteria: CeGaT Center For Human Genetics Tuebingen Variant Classification Criteria Version 2. Collection method: clinical testing. Allele origin: germline. Affected: yes. Observed: 3 variant alleles.
Comment: KAT6A: BS2

Labcorp Genetics (formerly Invitae), Labcorp
Classification: Benign. Last evaluated: 2026-01-22. Review status: criteria provided, single submitter. Criteria: Invitae Variant Classification Sherloc (09022015). Collection method: clinical testing. Allele origin: germline.

GeneDx
Classification: Likely benign. Last evaluated: 2020-11-10. Review status: criteria provided, single submitter. Criteria: GeneDx Variant Classification Process June 2021. Collection method: clinical testing. Allele origin: germline. Affected: yes.

Center for Pediatric Genomic Medicine, Children's Mercy Hospital and Clinics
Classification: Likely benign. Last evaluated: 2017-02-06. Review status: criteria provided, single submitter. Criteria: ACMG Guidelines, 2015. Collection method: clinical testing. Allele origin: germline.
ClinVar note: Converted during submission from Likely Benign to Likely benign.

NM_006766.5(KAT6A):c.3859GAG[2] (p.Glu1289del)

Gene: KAT6A (lysine acetyltransferase 6A; minus strand). Cytogenetic location: 8p11.21.
Variant type: Microsatellite.
Coding change: c.3859GAG[2] on transcript NM_006766.5 (MANE Select); two copies in a row of the 3-base unit GAG starting at c.3859; the reference has three copies in a row; one copy, 3 bases deleted.
Protein change: p.Glu1289del; deletes glutamic acid 1289.
Molecular consequence: inframe deletion.
Genome position (GRCh38, 1-based): chr8:41,934,353-41,934,355, CTC deleted on the plus strand (GAG on the coding strand, the reverse complement: KAT6A is on the minus strand); deleting any 3 consecutive bases within chr8:41,934,353-41,934,361 gives the same sequence; the position shown is the placement nearest the transcript's 3' end. VCF-style (leftmost placement, unchanged base first): chr8-41934352-GCTC-G. GRCh37 (hg19) VCF-style: chr8-41791870-GCTC-G.
Other names: short protein forms E1289del.
Identifiers: ClinVar variation 377124 (VCV000377124.48), dbSNP rs747034971, ClinGen allele CA4729586.